The following is an entry in ClinVar:

ClinVar aggregate classification (germline): Uncertain significance. Review status: criteria provided, multiple submitters, no conflicts (2 of 4 stars). 4 submissions from 4 submitters: Uncertain significance (4). Last evaluated 2026-08-06.

Conditions:
Gastrointestinal stromal tumor. Also called: Gastrointestinal stroma tumor; Gastrointestinal stromal tumor, somatic. Identifiers: Orphanet 44890, MedGen C0238198, MeSH D046152, MONDO:0011719, OMIM 606764, HP:0100723.
Hereditary cancer-predisposing syndrome. Also called: Hereditary Cancer Syndrome; Hereditary neoplastic syndrome; Neoplastic Syndromes, Hereditary; Tumor predisposition. Identifiers: Orphanet 140162, MedGen C0027672, MeSH D009386, MONDO:0015356.
Polyps, multiple and recurrent inflammatory fibroid, gastrointestinal. Identifiers: MedGen C5193005, MONDO:0008285, OMIM 175510.

gnomAD v4.1: 2 of 1,614,042 alleles (0.00012%); highest among the groups gnomAD compares: Non-Finnish European, 0.000085%; no homozygotes.

Submissions (4):

OLLIN Analises Genomicas, OLLIN
Classification: Uncertain significance for Polyps, multiple and recurrent inflammatory fibroid, gastrointestinal. Last evaluated: 2026-08-06. Review status: criteria provided, single submitter. Criteria: ACMG Guidelines 2015 PMID 25741868. Collection method: clinical testing. Allele origin: germline. Inheritance: Autosomal dominant inheritance.
Comment: This variant, has been reported in ClinVar (accession VCV001059437.11) and in gnomAD with an allele frequency of 0.00012%. However, to our knowledge, it has not been reported in the scientific literature. According to the currently available evidence, this variant has been classified as uncertain significance (PM2_P, PP3).

Ambry Genetics
Classification: Uncertain significance for Hereditary cancer-predisposing syndrome. Last evaluated: 2025-07-29. Review status: criteria provided, single submitter. Criteria: Ambry Variant Classification Scheme 2023. Collection method: clinical testing. Allele origin: germline.
Comment: The c.931+5A>C intronic variant results from an A to C substitution 5 nucleotides after coding exon 5 in the PDGFRA gene. This nucleotide position is not well conserved in available vertebrate species. In silico splice site analysis predicts that this alteration may weaken the native splice donor site. Based on the available evidence, the clinical significance of this variant remains unclear.

Labcorp Genetics (formerly Invitae), Labcorp
Classification: Uncertain significance for Gastrointestinal stromal tumor. Last evaluated: 2025-04-29. Review status: criteria provided, single submitter. Criteria: Invitae Variant Classification Sherloc (09022015). Collection method: clinical testing. Allele origin: germline.
Comment: This sequence change falls in intron 6 of the PDGFRA gene. It does not directly change the encoded amino acid sequence of the PDGFRA protein. It affects a nucleotide within the consensus splice site. This variant is present in population databases (no rsID available, gnomAD 0.007%). This variant has not been reported in the literature in individuals affected with PDGFRA-related conditions. ClinVar contains an entry for this variant (Variation ID: 1059437). Variants that disrupt the consensus splice site are a relatively common cause of aberrant splicing (PMID: 17576681, 9536098). Algorithms developed to predict the effect of sequence changes on RNA splicing suggest that this variant may disrupt the consensus splice site. In summary, the available evidence is currently insufficient to determine the role of this variant in disease. Therefore, it has been classified as a Variant of Uncertain Significance.

Dasa
Classification: Uncertain significance. Last evaluated: 2024-12-16. Review status: criteria provided, single submitter. Criteria: DASA Assertion Criteria. Collection method: clinical testing. Allele origin: germline.
Comment: NM_006206.6(PDGFRA):c.931+5A>C is a splice-region variant predicted to affect normal RNA splicing. This variant is rare in population databases. Computational prediction algorithms are consistent with a deleterious effect. The currently available literature and clinical evidence are not sufficient to establish a definitive association between this variant and the reported condition. Therefore, this variant is classified as a variant of uncertain significance.

Literature cited by the submitters: PubMed 17576681 (cited by Labcorp Genetics (formerly Invitae), Labcorp); PubMed 9536098 (cited by Labcorp Genetics (formerly Invitae), Labcorp).

NM_006206.6(PDGFRA):c.931+5A>C

Gene: PDGFRA (platelet derived growth factor receptor alpha; plus strand). Cytogenetic location: 4q12.
Variant type: single nucleotide variant.
Coding change: c.931+5A>C on transcript NM_006206.6 (MANE Select); 5 bases into the intron after coding-DNA position 931, A replaced by C.
Molecular consequence: intron variant.
Genome position (GRCh38, 1-based): chr4:54,267,465, A>C. VCF-style: chr4-54267465-A-C. GRCh37 (hg19) VCF-style: chr4-55133632-A-C.
Other names: c.931+5A>C (NM_006206.4, NM_001347827.2, NM_001347829.2); c.1006+5A>C (NM_001347828.2); c.970+5A>C (NM_001347830.2).
Identifiers: ClinVar variation 1059437 (VCV001059437.13), dbSNP rs745430555, ClinGen allele CA551651551.